The following is an entry in ClinVar:

NM_003590.5(CUL3):c.1813T>A (p.Phe605Ile)

Gene: CUL3 (cullin 3; minus strand). Cytogenetic location: 2q36.2.
Variant type: single nucleotide variant.
Coding change: c.1813T>A on transcript NM_003590.5 (MANE Select); coding-DNA position 1813, T replaced by A.
Protein change: p.Phe605Ile; replaces phenylalanine 605 with isoleucine.
Molecular consequence: missense variant.
Genome position (GRCh38, 1-based): chr2:224,495,861, A>T on the plus strand (T>A on the coding strand, the complement: CUL3 is on the minus strand). VCF-style: chr2-224495861-A-T. GRCh37 (hg19) VCF-style: chr2-225360578-A-T.
Other names: c.1615T>A, p.Phe539Ile (NM_001257197.2); c.1831T>A, p.Phe611Ile (NM_001257198.2); short protein forms F539I, F605I, F611I.
Identifiers: ClinVar variation 3774880 (VCV003774880.1).

ClinVar aggregate classification (germline): Uncertain significance (1 of 4 stars; one submission).

Submission:

GeneDx
Classification: Uncertain significance. Last evaluated: 2024-09-30. Review status: criteria provided, single submitter. Criteria: GeneDx Variant Classification Process June 2021. Collection method: clinical testing. Allele origin: germline. Affected: yes.
Comment: Not observed at significant frequency in large population cohorts (gnomAD); In silico analysis supports that this missense variant has a deleterious effect on protein structure/function; Has not been previously published as pathogenic or benign to our knowledge